The following is an entry in ClinVar:

ClinVar aggregate classification (germline): Likely benign. Review status: criteria provided, multiple submitters, no conflicts (2 of 4 stars). 5 submissions from 5 submitters: Likely benign (4). 1 of the submissions does not count toward it. Last evaluated 2026-01-25.

Conditions:
ANK2-related disorder. Also called: ANK2-related condition.
Cardiovascular phenotype. Identifiers: MedGen CN230736.
Long QT syndrome (LQTS). Identifiers: MedGen C0023976, MeSH D008133, MONDO:0002442. Disease mechanism: loss of function. Inheritance: Various modes of inheritance.

Allele frequency attached by ClinVar (database versions not stated): gnomAD exomes 0.00021; ExAC 0.00028; ESP Exome Variant Server 0.00077; gnomAD 0.00083 and 0.00088; TOPMed 0.00087; 1000 Genomes Project 0.00140; 1000 Genomes Project 30x 0.00156.
gnomAD v4.1: 289 of 1,614,062 alleles (0.018%); highest among the groups gnomAD compares: African/African-American, 0.32%; 1 homozygote.

Submissions (5):

Labcorp Genetics (formerly Invitae), Labcorp
Classification: Likely benign for Long QT syndrome. Last evaluated: 2026-01-25. Review status: criteria provided, single submitter. Criteria: Invitae Variant Classification Sherloc (09022015). Collection method: clinical testing. Allele origin: germline.

Women's Health and Genetics/Laboratory Corporation of America, LabCorp
Classification: Likely benign. Last evaluated: 2025-04-03. Review status: criteria provided, single submitter. Criteria: LabCorp Variant Classification Summary - May 2015. Collection method: clinical testing. Allele origin: germline.

GeneDx
Classification: Likely benign. Last evaluated: 2021-04-02. Review status: criteria provided, single submitter. Criteria: GeneDx Variant Classification Process June 2021. Collection method: clinical testing. Allele origin: germline. Affected: yes.
Comment: This variant is associated with the following publications: (PMID: 26164358, 25351510)

Ambry Genetics
Classification: Likely benign for Cardiovascular phenotype. Last evaluated: 2018-11-14. Review status: criteria provided, single submitter. Criteria: Ambry Variant Classification Scheme 2023. Collection method: clinical testing. Allele origin: germline.

PreventionGenetics, part of Exact Sciences
Classification: Likely benign for ANK2-related condition. Last evaluated: 2020-06-10. Review status: no assertion criteria provided. Collection method: clinical testing. Allele origin: germline. Not counted in ClinVar's aggregate classification.
Comment: This variant is classified as likely benign based on ACMG/AMP sequence variant interpretation guidelines (Richards et al. 2015 PMID: 25741868, with internal and published modifications).

Literature cited by the submitters: PubMed 25351510 (cited by Ambry Genetics); PubMed 26164358 (cited by Ambry Genetics).

NM_001148.6(ANK2):c.11524C>T (p.Arg3842Trp)

Gene: ANK2 (ankyrin 2; plus strand). Cytogenetic location: 4q26.
Variant type: single nucleotide variant.
Coding change: c.11524C>T on transcript NM_001148.6 (MANE Select); coding-DNA position 11524, C replaced by T.
Protein change: p.Arg3842Trp; replaces arginine 3842 with tryptophan.
Molecular consequence: missense variant.
Genome position (GRCh38, 1-based): chr4:113,369,719, C>T. VCF-style: chr4-113369719-C-T. GRCh37 (hg19) VCF-style: chr4-114290875-C-T.
Other names: p.R3842W:CGG>TGG; c.5242C>T, p.Arg1748Trp (NM_001127493.3); c.5281C>T, p.Arg1761Trp (NM_001354225.2); c.5170C>T, p.Arg1724Trp (NM_001354228.2, NM_001354258.2); c.5248C>T, p.Arg1750Trp (NM_001354230.2); c.5311C>T, p.Arg1771Trp (NM_001354231.2, NM_001354242.2); c.5305C>T, p.Arg1769Trp (NM_001354232.2); c.5266C>T, p.Arg1756Trp (NM_001354235.2, NM_001354246.2, NM_001354265.2); and 36 more; short protein forms R1748W, R3842W, R1629W, R1662W, R1682W, R1691W, R1710W, R1735W.
Identifiers: ClinVar variation 190534 (VCV000190534.20), dbSNP rs139797180, ClinGen allele CA300739.